The following is an entry in ClinVar:

ClinVar aggregate classification (germline): Likely benign (0 of 4 stars; one submission).

Conditions:
CAPS-related disorder. Also called: CAPS-related condition.

Allele frequency attached by ClinVar (database versions not stated): TOPMed 0.00001; gnomAD 0.00003; gnomAD exomes 0.00010; 1000 Genomes Project 0.00020; 1000 Genomes Project 30x 0.00031; ExAC 0.00103.

Submission:

PreventionGenetics, part of Exact Sciences
Classification: Likely benign for CAPS-related condition. Last evaluated: 2019-05-07. Review status: no assertion criteria provided. Collection method: clinical testing. Allele origin: germline.
Comment: This variant is classified as likely benign based on ACMG/AMP sequence variant interpretation guidelines (Richards et al. 2015 PMID: 25741868, with internal and published modifications).

NM_004058.4(CAPS):c.-7G>A

Gene: CAPS (calcyphosine; plus strand). Cytogenetic location: 19p13.3.
Variant type: single nucleotide variant.
Coding change: c.-7G>A on transcript NM_004058.4; 7 bases upstream of the start codon, G replaced by A.
Genome position (GRCh38, 1-based): chr19:5,914,067, G>A. VCF-style: chr19-5914067-G-A. GRCh37 (hg19) VCF-style: chr19-5914078-G-A.
Identifiers: ClinVar variation 3042361 (VCV003042361.2), dbSNP rs561540684, ClinGen allele CA9119230.